The following is an entry in ClinVar:

NM_000371.4(TTR):c.416C>T (p.Thr139Met)

Gene: TTR (transthyretin; plus strand). Cytogenetic location: 18q12.1.
Variant type: single nucleotide variant.
Coding change: c.416C>T on transcript NM_000371.4 (MANE Select); coding-DNA position 416, C replaced by T.
Protein change: p.Thr139Met; replaces threonine 139 with methionine.
Molecular consequence: missense variant.
Genome position (GRCh38, 1-based): chr18:31,598,647, C>T. VCF-style: chr18-31598647-C-T. GRCh37 (hg19) VCF-style: chr18-29178610-C-T.
Other names: T119M; p.T139M:ACG>ATG; short protein forms T139M.
Identifiers: ClinVar variation 13434 (VCV000013434.91), dbSNP rs28933981, ClinGen allele CA123101.

ClinVar aggregate classification (germline): Conflicting classifications of pathogenicity. Review status: criteria provided, conflicting classifications (1 of 4 stars). 16 submissions from 15 submitters: Likely pathogenic (1); Benign (7); Likely benign (5). 3 of the submissions do not count toward it. Last evaluated 2026-09-01.

Conditions:
Cardiovascular phenotype. Identifiers: MedGen CN230736.
Charcot-Marie-Tooth disease. Also called: Charcot-Marie-Tooth Neuropathy; Charcot-Marie-Tooth Hereditary Neuropathy. Identifiers: Orphanet 166, MedGen C0007959, MONDO:0015626.
Hyperthyroidism. Identifiers: MedGen C0020550, MONDO:0004425, HP:0000836.
Cardiomyopathy (CMYO). Also called: Cardiomyopathies. Identifiers: Orphanet 167848, MedGen C0878544, MONDO:0004994, HP:0001638. Inheritance: Various modes of inheritance.
Hyperthyroxinemia, dystransthyretinemic. Also called: EUTHRYROIDAL HYPERTHYROXINEMIA 2; HYPERTHYROXINEMIA, DYSPREALBUMINEMIC. Identifiers: MedGen C2750824, MONDO:0007785, OMIM 145680.
AMYLOIDOSIS, HEREDITARY SYSTEMIC 1, MODIFIER OF.
Amyloidosis, hereditary systemic 1 (AMYLD1). Also called: Hereditary oculoleptomeningeal amyloid angiopathy; Familial Transthyretin Amyloidosis; Transthyretin Amyloidosis; Familial amyloid polyneuropathy; Hereditary Transthyretin Amyloidosis; AMYLOID CARDIOMYOPATHY. Identifiers: Orphanet 85447, Orphanet 85451, MedGen C2751492, MONDO:0971004, OMIM 105210.

Allele frequency attached by ClinVar (database versions not stated): 1000 Genomes Project 30x 0.00078; 1000 Genomes Project 0.00100; ExAC 0.00147; gnomAD 0.00172 and 0.00177; gnomAD exomes 0.00151 and 0.00284; TOPMed 0.00170.
gnomAD v4.1: 4,364 of 1,614,166 alleles (0.27%); highest among the groups gnomAD compares: Non-Finnish European, 0.35%; 6 homozygotes.

Submissions (16):

CeGaT Center for Human Genetics Tuebingen
Classification: Likely benign. Last evaluated: 2026-09-01. Review status: criteria provided, single submitter. Criteria: CeGaT Center For Human Genetics Tuebingen Variant Classification Criteria Version 2. Collection method: clinical testing. Allele origin: germline. Affected: yes. Observed: 19 variant alleles.
Comment: TTR: BS1

Labcorp Genetics (formerly Invitae), Labcorp
Classification: Benign for Amyloidosis, hereditary systemic 1. Last evaluated: 2026-02-03. Review status: criteria provided, single submitter. Criteria: Invitae Variant Classification Sherloc (09022015). Collection method: clinical testing. Allele origin: germline.

ARUP Laboratories, Molecular Genetics and Genomics, ARUP Laboratories
Classification: Benign. Last evaluated: 2025-06-16. Review status: criteria provided, single submitter. Criteria: ARUP Molecular Germline Variant Investigation Process 2024. Collection method: clinical testing. Allele origin: germline.

Cambridge Genomics Laboratory, East Genomic Laboratory Hub, NHS Genomic Medicine Service
Classification: Likely pathogenic for Hyperthyroidism. Last evaluated: 2025-05-15. Review status: criteria provided, single submitter. Criteria: ACGS Best Practice Guidelines for Variant Classification in Rare Disease 2020. Collection method: clinical testing. Allele origin: germline. Affected: yes.

Blueprint Genetics
Classification: Likely benign. Last evaluated: 2024-11-28. Review status: criteria provided, single submitter. Criteria: ACMG Guidelines, 2015. Collection method: clinical testing. Allele origin: germline.

Athena Diagnostics
Classification: Benign. Last evaluated: 2024-09-04. Review status: criteria provided, single submitter. Criteria: Athena Diagnostics Criteria. Collection method: clinical testing. Allele origin: unknown.

Laboratory for Molecular Medicine, Mass General Brigham Personalized Medicine
Classification: Benign. Last evaluated: 2021-09-15. Review status: criteria provided, single submitter. Criteria: ACMG Guidelines, 2015. Collection method: clinical testing. Allele origin: germline.
Comment: The p.Thr139Met variant in TTR is classified as benign because it has been identified in 0.3% (351/129156) of European chromosomes by gnomAD. Additionally, this variant has been reported in both unaffected individuals as well as in individuals with asymptomatic euthyroid hyperthyroxinemia (Scrimshaw 1992, Alves 1997). Functional and clinical studies indicate that this variant may provide protective benefit against TTR amyloidosis by improving protein stability and reducing the propensity to form amyloidogenic aggregates (Quintas 1997, Almeida 2000, Hammarstrom 2001, Costa 2008, Palhano 2009, Borgault 2011). ACMG/AMP Criteria applied: BA1.

Mendelics
Classification: Likely benign for Amyloidosis, hereditary systemic 1. Last evaluated: 2019-05-28. Review status: criteria provided, single submitter. Criteria: Mendelics Assertion Criteria 2017. Collection method: clinical testing. Allele origin: unknown.

CHEO Genetics Diagnostic Laboratory, Children's Hospital of Eastern Ontario
Classification: Benign for Cardiomyopathy. Last evaluated: 2018-06-21. Review status: criteria provided, single submitter. Criteria: ACMG Guidelines, 2015. Collection method: clinical testing. Allele origin: germline.

Ambry Genetics
Classification: Likely benign for Cardiovascular phenotype. Last evaluated: 2018-05-08. Review status: criteria provided, single submitter. Criteria: Ambry Variant Classification Scheme 2023. Collection method: clinical testing. Allele origin: germline.

Illumina Laboratory Services, Illumina
Classification: Benign for Amyloidosis, hereditary systemic 1. Last evaluated: 2017-04-27. Review status: criteria provided, single submitter. Criteria: ICSL Variant Classification Criteria 13 December 2019. Collection method: clinical testing. Allele origin: germline.
Comment: This variant was observed as part of a predisposition screen in an ostensibly healthy population. A literature search was performed for the gene, cDNA change, and amino acid change (where applicable). Publications were found based on this search. The evidence from the literature, in combination with allele frequency data from public databases where available, was sufficient to rule this variant out of causing disease. Therefore, this variant is classified as benign.

GeneDx
Classification: Benign. Last evaluated: 2013-05-22. Review status: criteria provided, single submitter. Criteria: GeneDx Variant Classification (06012015). Collection method: clinical testing. Allele origin: germline. Affected: yes.
Comment: This variant is considered likely benign or benign based on one or more of the following criteria: it is a conservative change, it occurs at a poorly conserved position in the protein, it is predicted to be benign by multiple in silico algorithms, and/or has population frequency not consistent with disease.

Molecular Genetics Laboratory, London Health Sciences Centre
Classification: Likely benign for Charcot-Marie-Tooth disease. Review status: criteria provided, single submitter. Criteria: ACMG Guidelines, 2015. Collection method: clinical testing. Allele origin: germline. Affected: yes.

OMIM
Classification: risk factor for AMYLOIDOSIS, HEREDITARY SYSTEMIC 1, MODIFIER OF. Last evaluated: 2001-09-28. Review status: no assertion criteria provided. Collection method: literature only. Allele origin: germline. Not counted in ClinVar's aggregate classification.

Clinical Genetics DNA and cytogenetics Diagnostics Lab, Erasmus MC, Erasmus Medical Center
Classification: Likely benign. Review status: no assertion criteria provided. Collection method: clinical testing. Allele origin: germline. Affected: yes. Study: VKGL Data-share Consensus. Not counted in ClinVar's aggregate classification.

Cambridge Genomics Laboratory, East Genomic Laboratory Hub, NHS Genomic Medicine Service
Classification: Likely pathogenic for Hyperthyroxinemia, dystransthyretinemic. Last evaluated: 2023-09-01. Review status: flagged submission. Criteria: ACGS Best Practice Guidelines for Variant Classification in Rare Disease 2020. Collection method: clinical testing. Allele origin: germline. Affected: yes. Not counted in ClinVar's aggregate classification.
Comment: PS3,PS4_Moderate,PP4
ClinVar note: Reason: Outlier claim with insufficient supporting evidence

Literature cited by the submitters: PubMed 15820680 (cited by Athena Diagnostics); PubMed 31728576 (cited by Athena Diagnostics); PubMed 30328212 (cited by Athena Diagnostics); PubMed 31740141 (cited by Athena Diagnostics); PubMed 26286619 (cited by Athena Diagnostics); PubMed 11243784 (cited by Athena Diagnostics); PubMed 11577236 (cited by 4 submitters); PubMed 10772944 (cited by 3 submitters); PubMed 1877623 (cited by 4 submitters); PubMed 18276611 (cited by Athena Diagnostics); PubMed 9395311 (cited by Athena Diagnostics and Illumina Laboratory Services, Illumina); PubMed 32425064 (cited by Athena Diagnostics); PubMed 35414855 (cited by Athena Diagnostics); PubMed 31553132 (cited by Athena Diagnostics); PubMed 35386059 (cited by Athena Diagnostics); PubMed 37456934 (cited by Athena Diagnostics); PubMed 37869146 (cited by Athena Diagnostics); PubMed 33237279 (cited by Athena Diagnostics); PubMed 36380794 (cited by Athena Diagnostics); PubMed 22244854 (cited by Athena Diagnostics); PubMed 23580146 (cited by Athena Diagnostics); PubMed 27249223 (cited by Athena Diagnostics); PubMed 1356051 (cited by 4 submitters); PubMed 1729893 (cited by 3 submitters); PubMed 18984591 (cited by Athena Diagnostics and Laboratory for Molecular Medicine, Mass General Brigham Personalized Medicine); PubMed 21557933 (cited by Athena Diagnostics and Laboratory for Molecular Medicine, Mass General Brigham Personalized Medicine); PubMed 25743335 (cited by Athena Diagnostics and Cambridge Genomics Laboratory, East Genomic Laboratory Hub, NHS Genomic Medicine Service); PubMed 7906282 (cited by Athena Diagnostics and Cambridge Genomics Laboratory, East Genomic Laboratory Hub, NHS Genomic Medicine Service); PubMed 9090525 (cited by 3 submitters); PubMed 8102146 (cited by 3 submitters); PubMed 9428731 (cited by Athena Diagnostics and Laboratory for Molecular Medicine, Mass General Brigham Personalized Medicine); PubMed 18295603 (cited by Athena Diagnostics and Laboratory for Molecular Medicine, Mass General Brigham Personalized Medicine); PubMed 27885756 (cited by Athena Diagnostics and Cambridge Genomics Laboratory, East Genomic Laboratory Hub, NHS Genomic Medicine Service); PubMed 14640030 (cited by Laboratory for Molecular Medicine, Mass General Brigham Personalized Medicine); Coelho, T., Chorao, R., Sousa, A., Alves, I. L., Torres, M. F., Saraiva, M. J. M. Compound heterozygotes of transthyretin Met 30 and transthyretin Met 119 are protected from the devastating effects of familial amyloid polyneuropathy. (Abstract) Neuromusc. Disord. 6 (suppl. 1): S20-only, 1996. (cited by OMIM).